The following is an entry in ClinVar:

NM_016648.4(LARP7):c.1136T>C (p.Leu379Pro)

Genes: LARP7 (La ribonucleoprotein 7, transcriptional regulator; plus strand), MIR302CHG (miR-302/367 cluster host gene; minus strand). Cytogenetic location: 4q25.
Variant type: single nucleotide variant.
Coding change: c.1136T>C on transcript NM_016648.4 (MANE Select); coding-DNA position 1136, T replaced by C.
Protein change: p.Leu379Pro; replaces leucine 379 with proline.
Molecular consequence: missense variant.
Genome position (GRCh38, 1-based): chr4:112,647,828, T>C. VCF-style: chr4-112647828-T-C. GRCh37 (hg19) VCF-style: chr4-113568984-T-C.
Other names: c.1136T>C, p.Leu379Pro (NM_001267039.4, NM_001370978.1, NM_015454.3); c.1175T>C, p.Leu392Pro (NM_001370974.1, NM_001370975.1); c.1172T>C, p.Leu391Pro (NM_001370976.1, NM_001370977.1); c.1133T>C, p.Leu378Pro (NM_001370979.1, NM_001370980.1); c.899T>C, p.Leu300Pro (NM_001370981.1, NM_001370982.1); short protein forms L300P, L378P, L379P, L391P, L392P.
Identifiers: ClinVar variation 1303778 (VCV001303778.4), dbSNP rs2048393116, ClinGen allele CA357927763.

ClinVar aggregate classification (germline): Likely pathogenic (1 of 4 stars; one submission).

Allele frequency attached by ClinVar (database versions not stated): TOPMed below 0.00001; gnomAD 0.00001.

Submission:

GeneDx
Classification: Likely pathogenic. Last evaluated: 2024-07-19. Review status: criteria provided, single submitter. Criteria: GeneDx Variant Classification Process June 2021. Collection method: clinical testing. Allele origin: germline. Affected: yes.
Comment: Observed with another LARP7 variant in a patient from a cohort with childhood epilepsy, but additional clinical information was not included (PMID: 34992632); Not observed at significant frequency in large population cohorts (gnomAD); In silico analysis supports that this missense variant has a deleterious effect on protein structure/function; This variant is associated with the following publications: (PMID: 34992632)